The following is an entry in ClinVar:

ClinVar aggregate classification (germline): Uncertain significance (1 of 4 stars; one submission).

Conditions:
Autosomal recessive limb-girdle muscular dystrophy type 2Y (MRRSDC). Also called: Muscular dystrophy, autosomal recessive, with rigid spine and distal joint contractures; Muscular dystrophy, limb-girdle, type 2y. Identifiers: Orphanet 424261, MedGen C4511482, MONDO:0014900, OMIM 617072.

Allele frequency attached by ClinVar (database versions not stated): TOPMed below 0.00001; gnomAD 0.00001.
gnomAD v4.1: 7 of 1,604,918 alleles (0.00044%); highest among the groups gnomAD compares: Middle Eastern, 0.017%; no homozygotes.

Submission:

Labcorp Genetics (formerly Invitae), Labcorp
Classification: Uncertain significance for Autosomal recessive limb-girdle muscular dystrophy type 2Y. Last evaluated: 2022-06-11. Review status: criteria provided, single submitter. Criteria: Invitae Variant Classification Sherloc (09022015). Collection method: clinical testing. Allele origin: germline.
Comment: In summary, the available evidence is currently insufficient to determine the role of this variant in disease. Therefore, it has been classified as a Variant of Uncertain Significance. Algorithms developed to predict the effect of missense changes on protein structure and function are either unavailable or do not agree on the potential impact of this missense change (SIFT: "Tolerated"; PolyPhen-2: "Possibly Damaging"; Align-GVGD: "Class C0"). This variant has not been reported in the literature in individuals affected with TOR1AIP1-related conditions. This variant is present in population databases (no rsID available, gnomAD 0.0009%). This sequence change replaces glutamic acid, which is acidic and polar, with lysine, which is basic and polar, at codon 62 of the TOR1AIP1 protein (p.Glu62Lys).

NM_015602.4(TOR1AIP1):c.184G>A (p.Glu62Lys)

Genes: TOR1AIP1 (torsin 1A interacting protein 1; plus strand), LOC112577517 (Sharpr-MPRA regulatory region 13766; plus strand). Cytogenetic location: 1q25.2.
Variant type: single nucleotide variant.
Coding change: c.184G>A on transcript NM_015602.4 (MANE Select); coding-DNA position 184, G replaced by A.
Protein change: p.Glu62Lys; replaces glutamic acid 62 with lysine.
Molecular consequence: missense variant.
Genome position (GRCh38, 1-based): chr1:179,882,686, G>A. VCF-style: chr1-179882686-G-A. GRCh37 (hg19) VCF-style: chr1-179851821-G-A.
Other names: c.184G>A, p.Glu62Lys (NM_001267578.2); short protein forms E62K.
Identifiers: ClinVar variation 2148041 (VCV002148041.4), dbSNP rs1176186504, ClinGen allele CA343577793.
Genomic context (GRCh38, chr1:179,882,686, plus strand): 5'-GCGCCTGCGTACAGAACTCCTCCGTCGCGCCAGGGCCGGCGGGAAGTGAGGTTCTCGGAC[G>A]AGCCGCCAGAAGTGTACGGCGACTTCGAGCCCCTGGTGGCCAAAGAAAGGTCCCCGGTGG-3'
Protein context (NP_056417.2, residues 52-72): QGRREVRFSD[Glu62Lys]PPEVYGDFEP